The following is an entry in ClinVar:

ClinVar aggregate classification (germline): Uncertain significance (1 of 4 stars; one submission).

Conditions:
Perrault syndrome. Also called: Gonadal dysgenesis with auditory dysfunction, autosomal recessive inheritance. Identifiers: Orphanet 2855, MedGen C0685838, MONDO:0017312.
Bifunctional peroxisomal enzyme deficiency (DBIF). Also called: DBP DEFICIENCY; PBFE DEFICIENCY; D-bifunctional protein deficiency. Identifiers: Orphanet 300, MedGen C0342870, MONDO:0009855, OMIM 261515. Disease mechanism: loss of function.

Allele frequency attached by ClinVar (database versions not stated): gnomAD exomes below 0.00001; TOPMed below 0.00001.
gnomAD v4.1: 5 of 1,583,822 alleles (0.00032%); highest among the groups gnomAD compares: African/African-American, 0.0013%; no homozygotes.

Submission:

Labcorp Genetics (formerly Invitae), Labcorp
Classification: Uncertain significance for Perrault syndrome; Bifunctional peroxisomal enzyme deficiency. Last evaluated: 2020-11-03. Review status: criteria provided, single submitter. Criteria: Invitae Variant Classification Sherloc (09022015). Collection method: clinical testing. Allele origin: germline.
Comment: In summary, the available evidence is currently insufficient to determine the role of this variant in disease. Therefore, it has been classified as a Variant of Uncertain Significance. Nucleotide substitutions within the consensus splice site are a relatively common cause of aberrant splicing (PMID: 17576681, 9536098). Algorithms developed to predict the effect of sequence changes on RNA splicing suggest that this variant may disrupt the consensus splice site, but this prediction has not been confirmed by published transcriptional studies. This variant has not been reported in the literature in individuals with HSD17B4-related conditions. This variant is present in population databases (rs759020197, ExAC 0.001%). This sequence change falls in intron 4 of the HSD17B4 gene. It does not directly change the encoded amino acid sequence of the HSD17B4 protein. It affects a nucleotide within the consensus splice site of the intron.

Literature cited by the submitters: PubMed 17576681; PubMed 9536098.

NM_000414.4(HSD17B4):c.280+4A>G

Gene: HSD17B4 (hydroxysteroid 17-beta dehydrogenase 4; plus strand). Cytogenetic location: 5q23.1.
Variant type: single nucleotide variant.
Coding change: c.280+4A>G on transcript NM_000414.4 (MANE Select); 4 bases into the intron after coding-DNA position 280, A replaced by G.
Molecular consequence: intron variant.
Genome position (GRCh38, 1-based): chr5:119,474,464, A>G. VCF-style: chr5-119474464-A-G. GRCh37 (hg19) VCF-style: chr5-118810159-A-G.
Other names: c.-132+4A>G (NM_001374503.1, NM_001374502.1, NM_001374501.1 and 1 more transcripts); c.355+4A>G (NM_001199291.3); c.-1+4A>G (NM_001374499.1); c.-259+4A>G (NM_001374500.1); c.208+4A>G (NM_001292027.2); c.280+4A>G (NM_001374498.1, NM_001374497.1); c.226+4A>G (NM_001199292.2).
Identifiers: ClinVar variation 1495423 (VCV001495423.6), dbSNP rs759020197, ClinGen allele CA3381745.
Genomic context (GRCh38, chr5:119,474,464, plus strand): 5'-CAGTGGAAGAAGGAGAGAAGGTTGTGAAGACAGCCCTGGATGCTTTTGGAAGAATAGGTG[A>G]TGTTTCTTTGTGTTATGGCTCTTGTGGAGCAACTTCTACCTTCCTAATGAAATATTTTTA-3'